The following is an entry in ClinVar:

ClinVar aggregate classification (germline): Uncertain significance (1 of 4 stars; one submission).

Allele frequency attached by ClinVar (database versions not stated): gnomAD 0.00001; gnomAD exomes 0.00001; TOPMed 0.00002.
gnomAD v4.1: 12 of 1,606,416 alleles (0.00075%); highest among the groups gnomAD compares: Non-Finnish European, 0.00094%; no homozygotes.

Submission:

Labcorp Genetics (formerly Invitae), Labcorp
Classification: Uncertain significance. Last evaluated: 2022-04-08. Review status: criteria provided, single submitter. Criteria: Invitae Variant Classification Sherloc (09022015). Collection method: clinical testing. Allele origin: germline.
Comment: This sequence change replaces valine, which is neutral and non-polar, with aspartic acid, which is acidic and polar, at codon 310 of the WNT2B protein (p.Val310Asp). This variant is not present in population databases (gnomAD no frequency). This variant has not been reported in the literature in individuals affected with WNT2B-related conditions. Algorithms developed to predict the effect of missense changes on protein structure and function (SIFT, PolyPhen-2, Align-GVGD) all suggest that this variant is likely to be disruptive. In summary, the available evidence is currently insufficient to determine the role of this variant in disease. Therefore, it has been classified as a Variant of Uncertain Significance.

NM_024494.3(WNT2B):c.929T>A (p.Val310Asp)

Gene: WNT2B (Wnt family member 2B; plus strand). Cytogenetic location: 1p13.2.
Variant type: single nucleotide variant.
Coding change: c.929T>A on transcript NM_024494.3 (MANE Select); coding-DNA position 929, T replaced by A.
Protein change: p.Val310Asp; replaces valine 310 with aspartic acid.
Molecular consequence: missense variant.
Genome position (GRCh38, 1-based): chr1:112,517,368, T>A. VCF-style: chr1-112517368-T-A. GRCh37 (hg19) VCF-style: chr1-113059990-T-A.
Other names: c.653T>A, p.Val218Asp (NM_001291880.1); c.872T>A, p.Val291Asp (NM_004185.4); short protein forms V310D, V218D, V291D.
Identifiers: ClinVar variation 2123032 (VCV002123032.1), dbSNP rs1485859469, ClinGen allele CA341655036.